The following is an entry in ClinVar:

NM_001111.5(ADAR):c.2762+6C>T

Genes: ADAR (adenosine deaminase RNA specific; minus strand), LOC126805874 (CDK7 strongly-dependent group 2 enhancer GRCh37_chr1:154561176-154562375; plus strand). Cytogenetic location: 1q21.3.
Variant type: single nucleotide variant.
Coding change: c.2762+6C>T on transcript NM_001111.5 (MANE Select); 6 bases into the intron after coding-DNA position 2762, C replaced by T.
Molecular consequence: intron variant.
Genome position (GRCh38, 1-based): chr1:154,589,363, G>A on the plus strand (C>T on the coding strand, the complement: ADAR is on the minus strand). VCF-style: chr1-154589363-G-A. GRCh37 (hg19) VCF-style: chr1-154561839-G-A.
Other names: c.1877+6C>T (NM_001365046.1, NM_001025107.3, NM_001365048.1 and 2 more transcripts); c.2789+6C>T (NM_001365045.1); c.1799+6C>T (NM_001365049.1); c.2627+6C>T (NM_015841.4); c.2684+6C>T (NM_015840.4).
Identifiers: ClinVar variation 1047342 (VCV001047342.43), dbSNP rs371450928, ClinGen allele CA1131164.

ClinVar aggregate classification (germline): Conflicting classifications of pathogenicity. Review status: criteria provided, conflicting classifications (1 of 4 stars). 4 submissions from 4 submitters: Uncertain significance (2); Likely benign (2). Last evaluated 2026-01-19.

Conditions:
Symmetrical dyschromatosis of extremities (DSH). Also called: DYSCHROMATOSIS SYMMETRICA HEREDITARIA 1; SYMMETRIC DYSCHROMATOSIS OF THE EXTREMITIES; Dyschromatosis symmetrica hereditaria; RETICULATE ACROPIGMENTATION OF DOHI. Identifiers: Orphanet 41, MedGen C0406775, MONDO:0007483, OMIM 127400.
Aicardi-Goutieres syndrome 6 (AGS6). Identifiers: Orphanet 51, MedGen C3539013, MONDO:0014007, OMIM 615010.

Allele frequency attached by ClinVar (database versions not stated): gnomAD 0.00009 and 0.00012; gnomAD exomes 0.00012; ExAC 0.00013; ESP Exome Variant Server 0.00015; TOPMed 0.00016.
gnomAD v4.1: 149 of 1,613,076 alleles (0.0092%); highest among the groups gnomAD compares: Middle Eastern, 0.067%; no homozygotes.

Submissions (6):

Labcorp Genetics (formerly Invitae), Labcorp
Classification: Uncertain significance for Aicardi-Goutieres syndrome 6; Symmetrical dyschromatosis of extremities. Last evaluated: 2026-01-19. Review status: criteria provided, single submitter. Criteria: Invitae Variant Classification Sherloc (09022015). Collection method: clinical testing. Allele origin: germline.
Comment: This sequence change falls in intron 9 of the ADAR gene. It does not directly change the encoded amino acid sequence of the ADAR protein. It affects a nucleotide within the consensus splice site. This variant is present in population databases (rs371450928, gnomAD 0.02%). This variant has not been reported in the literature in individuals affected with ADAR-related conditions. ClinVar contains an entry for this variant (Variation ID: 1047342). Variants that disrupt the consensus splice site are a relatively common cause of aberrant splicing (PMID: 17576681, 9536098). Algorithms developed to predict the effect of sequence changes on RNA splicing suggest that this variant is not likely to affect RNA splicing. In summary, the available evidence is currently insufficient to determine the role of this variant in disease. Therefore, it has been classified as a Variant of Uncertain Significance.

Blueprint Genetics
Classification: Likely benign. Last evaluated: 2024-10-01. Review status: criteria provided, single submitter. Criteria: ACMG Guidelines, 2015. Collection method: clinical testing. Allele origin: germline.

CeGaT Center for Human Genetics Tuebingen
Classification: Likely benign. Last evaluated: 2023-09-01. Review status: criteria provided, single submitter. Criteria: CeGaT Center For Human Genetics Tuebingen Variant Classification Criteria Version 2. Collection method: clinical testing. Allele origin: germline. Affected: yes. Observed: 2 variant alleles.
Comment: ADAR: BP4

Breakthrough Genomics
Classification: Uncertain significance. Review status: criteria provided, single submitter. Criteria: ACMG Guidelines, 2015. Collection method: not provided. Allele origin: germline. Inheritance: Autosomal recessive inheritance. Affected: yes.

Dr. Peter K. Rogan Lab, Western University
No classification provided (evidence only). Condition: Ovarian serous cystadenocarcinoma. Review status: no classification provided. Collection method: in vitro. Allele origin: not applicable. Functional consequence: retained intron. Not counted in ClinVar's aggregate classification.

Dr. Peter K. Rogan Lab, Western University
No classification provided (evidence only). Condition: Gastric cancer. Review status: no classification provided. Collection method: in vitro. Allele origin: not applicable. Functional consequence: retained intron. Not counted in ClinVar's aggregate classification.

Literature cited by the submitters: PubMed 17576681 (cited by Labcorp Genetics (formerly Invitae), Labcorp); PubMed 9536098 (cited by Labcorp Genetics (formerly Invitae), Labcorp).